The following is an entry in ClinVar:

ClinVar aggregate classification (germline): Uncertain significance (1 of 4 stars; one submission).

Conditions:
Left ventricular noncompaction 8 (LVNC8). Identifiers: Orphanet 154, Orphanet 54260, MedGen C3809288, MONDO:0014152, OMIM 615373.

Submission:

Labcorp Genetics (formerly Invitae), Labcorp
Classification: Uncertain significance for Left ventricular noncompaction 8. Last evaluated: 2024-01-11. Review status: criteria provided, single submitter. Criteria: Invitae Variant Classification Sherloc (09022015). Collection method: clinical testing. Allele origin: germline.
Comment: This variant results in a copy number gain of the genomic region encompassing exon(s) 4-17 of the PRDM16 gene. This region includes the termination codon of the gene. This copy number gain extends beyond the assayed region for this gene and therefore may encompass additional genes. As the precise location of this event is unknown, it may be in tandem or it may be located elsewhere in the genome. This variant has not been reported in the literature in individuals affected with PRDM16-related conditions. Experimental studies and prediction algorithms are not available or were not evaluated, and the functional significance of this variant is currently unknown. In summary, the available evidence is currently insufficient to determine the role of this variant in disease. Therefore, it has been classified as a Variant of Uncertain Significance.

NC_000001.10:g.(?_3301696)_(3350375_?)dup

Gene: PRDM16 (PR/SET domain 16; plus strand). Cytogenetic location: 1p36.32.
Variant type: Duplication.
Identifiers: ClinVar variation 2426720 (VCV002426720.3).